The following is an entry in ClinVar:

NM_000719.7(CACNA1C):c.5331C>T (p.Arg1777=)

Genes: CACNA1C (calcium voltage-gated channel subunit alpha1 C; plus strand), CACNA1C-AS1 (CACNA1C antisense RNA 1; minus strand). Cytogenetic location: 12p13.33.
Variant type: single nucleotide variant.
Coding change: c.5331C>T on transcript NM_000719.7 (MANE Select); coding-DNA position 5331, C replaced by T.
Protein change: p.Arg1777=; no amino-acid change (arginine 1777 retained).
Molecular consequence: synonymous variant.
Genome position (GRCh38, 1-based): chr12:2,679,683, C>T. VCF-style: chr12-2679683-C-T. GRCh37 (hg19) VCF-style: chr12-2788849-C-T.
Other names: p.R1777R:CGC>CGT; c.5475C>T, p.Arg1825= (NM_001129827.2, NM_199460.4); c.5454C>T, p.Arg1818= (NM_001129829.2); c.5331C>T, p.Arg1777= (NM_001129830.3, NM_001129840.2, NM_001129841.2 and 4 more transcripts); c.5415C>T, p.Arg1805= (NM_001129831.2); c.5391C>T, p.Arg1797= (NM_001129832.2); c.5388C>T, p.Arg1796= (NM_001129833.2, NM_001129834.2, NM_001129835.2); c.5382C>T, p.Arg1794= (NM_001129836.2); and 4 more.
Identifiers: ClinVar variation 136634 (VCV000136634.7), dbSNP rs587780880, ClinGen allele CA289886.

ClinVar aggregate classification (germline): Benign/Likely benign. Review status: criteria provided, multiple submitters, no conflicts (2 of 4 stars). 3 submissions from 3 submitters: Benign (1); Likely benign (2). Last evaluated 2023-11-26.

Conditions:
Cardiovascular phenotype. Identifiers: MedGen CN230736.
Long QT syndrome (LQTS). Identifiers: MedGen C0023976, MeSH D008133, MONDO:0002442. Disease mechanism: loss of function. Inheritance: Various modes of inheritance.

Allele frequency attached by ClinVar (database versions not stated): TOPMed below 0.00001; gnomAD exomes 0.00001 and 0.00002; ExAC 0.00004.
gnomAD v4.1: 3 of 1,613,018 alleles (0.00019%); highest among the groups gnomAD compares: East Asian, 0.0022%; no homozygotes.

Submissions (3):

Ambry Genetics
Classification: Likely benign for Cardiovascular phenotype. Last evaluated: 2023-11-26. Review status: criteria provided, single submitter. Criteria: Ambry Variant Classification Scheme 2023. Collection method: clinical testing. Allele origin: germline.

Labcorp Genetics (formerly Invitae), Labcorp
Classification: Likely benign for Long QT syndrome. Last evaluated: 2023-10-22. Review status: criteria provided, single submitter. Criteria: Invitae Variant Classification Sherloc (09022015). Collection method: clinical testing. Allele origin: germline.

GeneDx
Classification: Benign. Last evaluated: 2013-08-15. Review status: criteria provided, single submitter. Criteria: GeneDx Variant Classification (06012015). Collection method: clinical testing. Allele origin: germline. Affected: yes.
Comment: This variant is considered likely benign or benign based on one or more of the following criteria: it is a conservative change, it occurs at a poorly conserved position in the protein, it is predicted to be benign by multiple in silico algorithms, and/or has population frequency not consistent with disease.